The following is an entry in ClinVar:

ClinVar aggregate classification (germline): Uncertain significance. Review status: criteria provided, multiple submitters, no conflicts (2 of 4 stars). 3 submissions from 3 submitters: Uncertain significance (3). Last evaluated 2024-05-14.

Conditions:
Proline dehydrogenase deficiency (HYRPRO1). Also called: Hyperprolinemia type 1; PROLINE OXIDASE DEFICIENCY. Identifiers: Orphanet 419, MedGen C0268529, MONDO:0009400, OMIM 239500.
Schizophrenia 4 (SCZD4). Also called: SCHIZOPHRENIA, SUSCEPTIBILITY TO, 4; SCHIZOPHRENIA SUSCEPTIBILITY LOCUS, CHROMOSOME 22q11-RELATED. Identifiers: MedGen C1833247, MONDO:0010943, OMIM 600850.

Allele frequency attached by ClinVar (database versions not stated): gnomAD exomes 0.00006 and 0.00007; ExAC 0.00008; 1000 Genomes Project 30x 0.00016; 1000 Genomes Project 0.00020; TOPMed 0.00022; ESP Exome Variant Server 0.00038.

Submissions (3):

Fulgent Genetics
Classification: Uncertain significance for Proline dehydrogenase deficiency; Schizophrenia 4. Last evaluated: 2024-05-14. Review status: criteria provided, single submitter. Criteria: ACMG Guidelines, 2015. Collection method: clinical testing. Allele origin: germline.

Labcorp Genetics (formerly Invitae), Labcorp
Classification: Uncertain significance for Proline dehydrogenase deficiency. Last evaluated: 2021-08-20. Review status: criteria provided, single submitter. Criteria: Invitae Variant Classification Sherloc (09022015). Collection method: clinical testing. Allele origin: germline.
Comment: This sequence change replaces arginine with histidine at codon 432 of the PRODH protein (p.Arg432His). The arginine residue is highly conserved and there is a small physicochemical difference between arginine and histidine. This variant is present in population databases (rs143011525, ExAC 0.07%). This variant has not been reported in the literature in individuals affected with PRODH-related conditions. Algorithms developed to predict the effect of missense changes on protein structure and function are either unavailable or do not agree on the potential impact of this missense change (SIFT: "Deleterious"; PolyPhen-2: "Benign"; Align-GVGD: "Class C0"). In summary, the available evidence is currently insufficient to determine the role of this variant in disease. Therefore, it has been classified as a Variant of Uncertain Significance.

Breakthrough Genomics
Classification: Uncertain significance. Review status: criteria provided, single submitter. Criteria: ACMG Guidelines, 2015. Collection method: not provided. Allele origin: germline. Inheritance: Autosomal dominant inheritance. Affected: yes.

NM_016335.6(PRODH):c.1295G>A (p.Arg432His)

Gene: PRODH (proline dehydrogenase 1; minus strand). Cytogenetic location: 22q11.21.
Variant type: single nucleotide variant.
Coding change: c.1295G>A on transcript NM_016335.6 (MANE Select); coding-DNA position 1295, G replaced by A.
Protein change: p.Arg432His; replaces arginine 432 with histidine.
Molecular consequence: missense variant.
Genome position (GRCh38, 1-based): chr22:18,918,448, C>T on the plus strand (G>A on the coding strand, the complement: PRODH is on the minus strand). VCF-style: chr22-18918448-C-T. GRCh37 (hg19) VCF-style: chr22-18905961-C-T.
Other names: c.971G>A, p.Arg324His (NM_001195226.2); short protein forms R324H, R432H.
Identifiers: ClinVar variation 1000921 (VCV001000921.9), dbSNP rs143011525, ClinGen allele CA10094987.